The following is an entry in ClinVar:

ClinVar aggregate classification (germline): Benign. Review status: criteria provided, multiple submitters, no conflicts (2 of 4 stars). 5 submissions from 5 submitters: Benign (4). 1 of the submissions does not count toward it. Last evaluated 2026-01-24.

Conditions:
MAGED2-related disorder. Also called: MAGED2-related condition.

Allele frequency attached by ClinVar (database versions not stated): gnomAD exomes 0.00200 and 0.00663; ExAC 0.00853; gnomAD 0.02141 and 0.02314; 1000 Genomes Project 30x 0.02393; 1000 Genomes Project 0.02411; TOPMed 0.02456; ESP Exome Variant Server 0.02641.
gnomAD v4.1: 4,634 of 1,174,521 alleles (0.39%); highest among the groups gnomAD compares: African/African-American, 7.3%; 100 homozygotes.

Submissions (5):

Labcorp Genetics (formerly Invitae), Labcorp
Classification: Benign. Last evaluated: 2026-01-24. Review status: criteria provided, single submitter. Criteria: Invitae Variant Classification Sherloc (09022015). Collection method: clinical testing. Allele origin: germline.

Mayo Clinic Laboratories, Mayo Clinic
Classification: Benign. Last evaluated: 2023-04-03. Review status: criteria provided, single submitter. Criteria: ACMG Guidelines, 2015. Collection method: clinical testing. Allele origin: germline. Observed: 4 variant alleles.

GeneDx
Classification: Benign. Last evaluated: 2019-08-15. Review status: criteria provided, single submitter. Criteria: GeneDx Variant Classification Process June 2021. Collection method: clinical testing. Allele origin: germline. Affected: yes.

Breakthrough Genomics
Classification: Benign. Review status: criteria provided, single submitter. Criteria: ACMG Guidelines, 2015. Collection method: not provided. Allele origin: germline. Inheritance: X-linked inheritance. Affected: yes.

PreventionGenetics, part of Exact Sciences
Classification: Benign for MAGED2-related condition. Last evaluated: 2019-07-12. Review status: no assertion criteria provided. Collection method: clinical testing. Allele origin: germline. Not counted in ClinVar's aggregate classification.
Comment: This variant is classified as benign based on ACMG/AMP sequence variant interpretation guidelines (Richards et al. 2015 PMID: 25741868, with internal and published modifications).

NM_177433.3(MAGED2):c.561G>C (p.Glu187Asp)

Gene: MAGED2 (MAGE family member D2; plus strand). Cytogenetic location: Xp11.21.
Variant type: single nucleotide variant.
Coding change: c.561G>C on transcript NM_177433.3 (MANE Select); coding-DNA position 561, G replaced by C.
Protein change: p.Glu187Asp; replaces glutamic acid 187 with aspartic acid.
Molecular consequence: missense variant.
Genome position (GRCh38, 1-based): chrX:54,810,844, G>C. VCF-style: chrX-54810844-G-C. GRCh37 (hg19) VCF-style: chrX-54837277-G-C.
Other names: p.Glu187Asp; c.561G>C, p.Glu187Asp (NM_014599.6, NM_201222.3); c.561G>C (NM_177433.2); short protein forms E187D.
Identifiers: ClinVar variation 780709 (VCV000780709.14), dbSNP rs12014977, ClinGen allele CA10426698.
Genomic context (GRCh38, chrX:54,810,844, plus strand): 5'-CATCTGGTGACGTTGAGCTTCCTCTCTGTTGATGCAGGTGAAGCATCTGGATGGGGAAGA[G>C]GATGGCAGCAGTGATCAGAGTCAGGCTTCTGGAACCACAGGTGGCCGAAGGGTCTCAAAG-3'
Protein context (NP_803182.1, residues 177-197): ARKVKHLDGE[Glu187Asp]DGSSDQSQAS